The following is an entry in ClinVar:

NM_001374736.1(DST):c.20317G>A (p.Glu6773Lys)

Gene: DST (dystonin; minus strand). Cytogenetic location: 6p12.1.
Variant type: single nucleotide variant.
Coding change: c.20317G>A on transcript NM_001374736.1 (MANE Select); coding-DNA position 20317, G replaced by A.
Protein change: p.Glu6773Lys; replaces glutamic acid 6773 with lysine.
Molecular consequence: missense variant.
Genome position (GRCh38, 1-based): chr6:56,494,087, C>T on the plus strand (G>A on the coding strand, the complement: DST is on the minus strand). VCF-style: chr6-56494087-C-T. GRCh37 (hg19) VCF-style: chr6-56358885-C-T.
Other names: c.13960G>A, p.Glu4654Lys (NM_001144769.5); c.13546G>A, p.Glu4516Lys (NM_001144770.2); c.20317G>A, p.Glu6773Lys (NM_001374722.1); c.19357G>A, p.Glu6453Lys (NM_001374729.1); c.13099G>A, p.Glu4367Lys (NM_001374730.1); c.20344G>A, p.Glu6782Lys (NM_001374734.1); c.13426G>A, p.Glu4476Lys (NM_001386100.1, NM_183380.4); c.12448G>A, p.Glu4150Lys (NM_015548.5); short protein forms E4516K, E4654K, E6453K, E6782K, E4150K, E4367K, E6773K, E4476K.
Identifiers: ClinVar variation 1440321 (VCV001440321.6), dbSNP rs2152444143, ClinGen allele CA364517532.

ClinVar aggregate classification (germline): Uncertain significance (1 of 4 stars; one submission).

Conditions:
Epidermolysis bullosa simplex 3, localized or generalized intermediate, with BP230 deficiency (EBS3). Also called: Epidermolysis bullosa simplex due to BP230 deficiency; Epidermolysis bullosa simplex, autosomal recessive 2. Identifiers: Orphanet 412181, MedGen C3809470, MONDO:0014180, OMIM 615425.
Hereditary sensory and autonomic neuropathy type 6. Also called: HSAN VI; Neuropathy, hereditary sensory and autonomic, type VI. Identifiers: Orphanet 314381, MedGen C3539003, MONDO:0013839, OMIM 614653.

gnomAD v4.1: 1 of 1,611,636 alleles (0.000062%); highest among the groups gnomAD compares: Non-Finnish European, 0.000085%; no homozygotes.

Submission:

Labcorp Genetics (formerly Invitae), Labcorp
Classification: Uncertain significance for Epidermolysis bullosa simplex 3, localized or generalized intermediate, with BP230 deficiency; Hereditary sensory and autonomic neuropathy type 6. Last evaluated: 2021-08-27. Review status: criteria provided, single submitter. Criteria: Invitae Variant Classification Sherloc (09022015). Collection method: clinical testing. Allele origin: germline.
Comment: This sequence change replaces glutamine with lysine at codon 4150 of the DST protein (p.Glu4150Lys). The DST gene has multiple clinically relevant transcripts. This variant occurs in alternate transcript NM_015548.4, and corresponds to NM_001723.5:c.*121430G>A in the primary transcript. This variant is not present in population databases (ExAC no frequency). This variant has not been reported in the literature in individuals affected with DST-related conditions. Experimental studies and prediction algorithms are not available or were not evaluated, and the functional significance of this variant is currently unknown. In summary, the available evidence is currently insufficient to determine the role of this variant in disease. Therefore, it has been classified as a Variant of Uncertain Significance.